The following is an entry in ClinVar:

NM_020631.6(PLEKHG5):c.2249+7C>G

Gene: PLEKHG5 (pleckstrin homology and RhoGEF domain containing G5; minus strand). Cytogenetic location: 1p36.31.
Variant type: single nucleotide variant.
Coding change: c.2249+7C>G on transcript NM_020631.6 (MANE Select); 7 bases into the intron after coding-DNA position 2249, C replaced by G.
Molecular consequence: intron variant.
Genome position (GRCh38, 1-based): chr1:6,469,035, G>C on the plus strand (C>G on the coding strand, the complement: PLEKHG5 is on the minus strand). VCF-style: chr1-6469035-G-C. GRCh37 (hg19) VCF-style: chr1-6529095-G-C.
Other names: c.2249+7C>G (NM_198681.4, NM_001265594.3, NM_001042664.2 and 1 more transcripts); c.2360+7C>G (NM_001042663.3, NM_001265592.2); c.2456+7C>G (NM_001265593.2).
Identifiers: ClinVar variation 388097 (VCV000388097.1), dbSNP rs1057523000, ClinGen allele CA16603745.

ClinVar aggregate classification (germline): Likely benign (1 of 4 stars; one submission).

Submission:

GeneDx
Classification: Likely benign. Last evaluated: 2016-07-27. Review status: criteria provided, single submitter. Criteria: GeneDx Variant Classification (06012015). Collection method: clinical testing. Allele origin: germline. Affected: yes.
Comment: This variant is considered likely benign or benign based on one or more of the following criteria: it is a conservative change, it occurs at a poorly conserved position in the protein, it is predicted to be benign by multiple in silico algorithms, and/or has population frequency not consistent with disease.